The following is an entry in ClinVar:

ClinVar aggregate classification (germline): Pathogenic. Review status: criteria provided, multiple submitters, no conflicts (2 of 4 stars). 2 submissions from 2 submitters: Pathogenic (2). Last evaluated 2023-06-06.

Conditions:
Familial cancer of breast. Also called: BREAST CANCER, FAMILIAL; Hereditary breast cancer; hereditary breast carcinoma. Identifiers: Orphanet 227535, MedGen C0346153, MONDO:0016419, OMIM 114480. Disease mechanism: loss of function.
Fanconi anemia complementation group J. Also called: BRIP1-Related Fanconi Anemia. Identifiers: Orphanet 84, MedGen C1836860, MONDO:0012187, OMIM 609054.

Submissions (2):

Myriad Genetics, Inc.
Classification: Pathogenic for Familial cancer of breast. Last evaluated: 2023-06-06. Review status: criteria provided, single submitter. Criteria: Myriad Autosomal Dominant, Autosomal Recessive and X-Linked Classification Criteria (2023). Collection method: clinical testing. Allele origin: unknown.
Comment: This variant is considered pathogenic. This variant creates a termination codon and is predicted to result in premature protein truncation.

Labcorp Genetics (formerly Invitae), Labcorp
Classification: Pathogenic for Familial cancer of breast; Fanconi anemia complementation group J. Last evaluated: 2016-03-08. Review status: criteria provided, single submitter. Criteria: Invitae Variant Classification Sherloc (09022015). Collection method: clinical testing. Allele origin: germline.
Comment: This sequence change creates a premature translational stop signal at codon 713 (p.Leu713*) of the BRIP1 gene. It is expected to result in an absent or disrupted protein product. While this particular variant has not been reported in the literature, truncating variants in BRIP1 are known to be pathogenic (PMID: 16116423, 17033622, 21964575). For these reasons, this variant has been classified as Pathogenic.

Literature cited by the submitters: PubMed 16116423 (cited by Labcorp Genetics (formerly Invitae), Labcorp); PubMed 17033622 (cited by Labcorp Genetics (formerly Invitae), Labcorp); PubMed 21964575 (cited by Labcorp Genetics (formerly Invitae), Labcorp).

NM_032043.3(BRIP1):c.2138T>G (p.Leu713Ter)

Gene: BRIP1 (BRCA1 interacting DNA helicase 1; minus strand). Cytogenetic location: 17q23.2.
Variant type: single nucleotide variant.
Coding change: c.2138T>G on transcript NM_032043.3 (MANE Select); coding-DNA position 2138, T replaced by G.
Protein change: p.Leu713Ter; replaces leucine 713 with a stop codon.
Molecular consequence: nonsense.
Genome position (GRCh38, 1-based): chr17:61,744,551, A>C on the plus strand (T>G on the coding strand, the complement: BRIP1 is on the minus strand). VCF-style: chr17-61744551-A-C. GRCh37 (hg19) VCF-style: chr17-59821912-A-C.
Other names: short protein forms L713*.
Identifiers: ClinVar variation 241638 (VCV000241638.9), dbSNP rs878855145, ClinGen allele CA10583625.